The following is an entry in ClinVar:

NM_003742.4(ABCB11):c.3688G>C (p.Ala1230Pro)

Gene: ABCB11 (ATP binding cassette subfamily B member 11; minus strand). Cytogenetic location: 2q31.1.
Variant type: single nucleotide variant.
Coding change: c.3688G>C on transcript NM_003742.4 (MANE Select); coding-DNA position 3688, G replaced by C.
Protein change: p.Ala1230Pro; replaces alanine 1230 with proline.
Molecular consequence: missense variant.
Genome position (GRCh38, 1-based): chr2:168,924,734, C>G on the plus strand (G>C on the coding strand, the complement: ABCB11 is on the minus strand). VCF-style: chr2-168924734-C-G. GRCh37 (hg19) VCF-style: chr2-169781244-C-G.
Other names: short protein forms A1230P.
Identifiers: ClinVar variation 3061255 (VCV003061255.3), dbSNP rs755010435, ClinGen allele CA349118151.

ClinVar aggregate classification (germline): Uncertain significance. Review status: criteria provided, single submitter (1 of 4 stars). 2 submissions from 2 submitters: Uncertain significance (1). 1 of the submissions does not count toward it. Last evaluated 2026-04-14.

Conditions:
ABCB11-related disorder. Also called: ABCB11-related condition.
Familial intrahepatic cholestasis. Identifiers: Orphanet 284385, MedGen CN296401, MONDO:0017290.

Submissions (2):

Genomenon, Inc
Classification: Uncertain significance for Familial intrahepatic cholestasis. Last evaluated: 2026-04-14. Review status: criteria provided, single submitter. Criteria: Genomenon Sequence Variant Interpretation Standards - Updated. Collection method: curation. Allele origin: germline. Affected: yes.
Comment: ABCB11 p.Ala1230Pro (c.3688G>C) is a missense variant that changes the amino acid at residue 1230 from Alanine to Proline. This variant has been observed in at least one proband with an ABCB11-related disorder (PMID:26077850). It is absent or not present at a significant frequency in gnomAD. In silico models predict that this variant is possibly or probably damaging. In conclusion, we classify ABCB11 p.Ala1230Pro (c.3688G>C) as a variant of uncertain significance.

PreventionGenetics, part of Exact Sciences
Classification: Uncertain significance for ABCB11-related condition. Last evaluated: 2024-02-02. Review status: no assertion criteria provided. Collection method: clinical testing. Allele origin: germline. Not counted in ClinVar's aggregate classification.
Comment: The ABCB11 c.3688G>C variant is predicted to result in the amino acid substitution p.Ala1230Pro. This variant was reported in an individual who apparently presented with hepatosplenomegaly and cholestatic jaundice, however a second pathogenic variant was not described nor was segregation information provided (Table 5, Yavarna et al 2015. PubMed ID: 26077850). This variant has not been reported in a large population database, indicating this variant is rare. At this time, the clinical significance of this variant is uncertain due to the absence of conclusive functional and genetic evidence.

Literature cited by the submitters: PubMed 26077850 (cited by Genomenon, Inc).